The following is an entry in ClinVar:

ClinVar aggregate classification (germline): Conflicting classifications of pathogenicity. Review status: criteria provided, conflicting classifications (1 of 4 stars). 8 submissions from 8 submitters: Uncertain significance (1); Likely benign (5). 2 of the submissions do not count toward it. Last evaluated 2026-01-04.

Conditions:
Myofibrillar myopathy 3 (MFM3). Also called: Muscular dystrophy, proximal, type 1A; Autosomal dominant spheroid body myopathy. Identifiers: Orphanet 266, Orphanet 268129, MedGen C3714934, MONDO:0012215, OMIM 609200.

Allele frequency attached by ClinVar (database versions not stated): TOPMed 0.00016.
gnomAD v4.1: 300 of 1,613,918 alleles (0.019%); highest among the groups gnomAD compares: Non-Finnish European, 0.022%; no homozygotes.

Submissions (8):

Labcorp Genetics (formerly Invitae), Labcorp
Classification: Likely benign for Myofibrillar myopathy 3. Last evaluated: 2026-01-04. Review status: criteria provided, single submitter. Criteria: Invitae Variant Classification Sherloc (09022015). Collection method: clinical testing. Allele origin: germline.

Mayo Clinic Laboratories, Mayo Clinic
Classification: Likely benign. Last evaluated: 2025-07-02. Review status: criteria provided, single submitter. Criteria: ACMG Guidelines, 2015. Collection method: clinical testing. Allele origin: germline. Observed: 2 variant alleles.
Comment: BS2, BP4, BP7

Blueprint Genetics
Classification: Likely benign. Last evaluated: 2024-09-06. Review status: criteria provided, single submitter. Criteria: ACMG Guidelines, 2015. Collection method: clinical testing. Allele origin: germline.

CeGaT Center for Human Genetics Tuebingen
Classification: Likely benign. Last evaluated: 2023-11-01. Review status: criteria provided, single submitter. Criteria: CeGaT Center For Human Genetics Tuebingen Variant Classification Criteria Version 2. Collection method: clinical testing. Allele origin: germline. Affected: yes. Observed: 2 variant alleles.
Comment: MYOT: BP4, BP7

GeneDx
Classification: Likely benign. Last evaluated: 2020-09-30. Review status: criteria provided, single submitter. Criteria: GeneDx Variant Classification Process June 2021. Collection method: clinical testing. Allele origin: germline. Affected: yes.

Eurofins Ntd Llc (ga)
Classification: Uncertain significance. Last evaluated: 2016-06-02. Review status: criteria provided, single submitter. Criteria: EGL Classification Definitions 2015. Collection method: clinical testing. Allele origin: germline. Observed: 4 variant alleles, 4 heterozygotes.

Clinical Genetics DNA and cytogenetics Diagnostics Lab, Erasmus MC, Erasmus Medical Center
Classification: Likely benign. Review status: no assertion criteria provided. Collection method: clinical testing. Allele origin: germline. Affected: yes. Study: VKGL Data-share Consensus. Not counted in ClinVar's aggregate classification.

Genome Diagnostics Laboratory, University Medical Center Utrecht
Classification: Likely benign. Review status: no assertion criteria provided. Collection method: clinical testing. Allele origin: germline. Affected: yes. Study: VKGL Data-share Consensus. Not counted in ClinVar's aggregate classification.

NM_006790.3(MYOT):c.1401T>C (p.Asn467=)

Genes: MYOT (myotilin; plus strand), PKD2L2-DT (PKD2L2 divergent transcript; minus strand). Cytogenetic location: 5q31.2.
Variant type: single nucleotide variant.
Coding change: c.1401T>C on transcript NM_006790.3 (MANE Select); coding-DNA position 1401, T replaced by C.
Protein change: p.Asn467=; no amino-acid change (asparagine 467 retained).
Molecular consequence: synonymous variant.
Genome position (GRCh38, 1-based): chr5:137,887,289, T>C. VCF-style: chr5-137887289-T-C. GRCh37 (hg19) VCF-style: chr5-137222978-T-C.
Other names: p.Asn467=; c.849T>C, p.Asn283= (NM_001135940.2); c.1056T>C, p.Asn352= (NM_001300911.2).
Identifiers: ClinVar variation 288403 (VCV000288403.58), dbSNP rs145427063, ClinGen allele CA3423193.